The following is an entry in ClinVar:

NM_014585.6(SLC40A1):c.697C>G (p.Leu233Val)

Gene: SLC40A1 (solute carrier family 40 member 1; minus strand). Cytogenetic location: 2q32.2.
Variant type: single nucleotide variant.
Coding change: c.697C>G on transcript NM_014585.6 (MANE Select); coding-DNA position 697, C replaced by G.
Protein change: p.Leu233Val; replaces leucine 233 with valine.
Molecular consequence: missense variant.
Genome position (GRCh38, 1-based): chr2:189,565,417, G>C on the plus strand (C>G on the coding strand, the complement: SLC40A1 is on the minus strand). VCF-style: chr2-189565417-G-C. GRCh37 (hg19) VCF-style: chr2-190430143-G-C.
Other names: short protein forms L233V.
Identifiers: ClinVar variation 917397 (VCV000917397.12), dbSNP rs186912553, ClinGen allele CA62903056.

ClinVar aggregate classification (germline): Uncertain significance. Review status: criteria provided, single submitter (1 of 4 stars). 2 submissions from 2 submitters: Uncertain significance (1). 1 of the submissions does not count toward it. Last evaluated 2019-07-16.

Conditions:
Hemochromatosis type 4 (HFE4). Also called: Ferroportin disease; HEMOCHROMATOSIS DUE TO DEFECT IN FERROPORTIN; HEMOCHROMATOSIS, AUTOSOMAL DOMINANT. Identifiers: Orphanet 139491, Orphanet 647834, Orphanet 648562, MedGen C1853733, MONDO:0011631, OMIM 606069.

Allele frequency attached by ClinVar (database versions not stated): 1000 Genomes Project 30x 0.00016; 1000 Genomes Project 0.00020; gnomAD 0.00001.
gnomAD v4.1: 1 of 1,614,208 alleles (0.000062%); highest among the groups gnomAD compares: Non-Finnish European, 0.000085%; no homozygotes.

Submissions (2):

Labcorp Genetics (formerly Invitae), Labcorp
Classification: Uncertain significance for Hemochromatosis type 4. Last evaluated: 2019-07-16. Review status: criteria provided, single submitter. Criteria: Invitae Variant Classification Sherloc (09022015). Collection method: clinical testing. Allele origin: germline.
Comment: In summary, the available evidence is currently insufficient to determine the role of this variant in disease. Therefore, it has been classified as a Variant of Uncertain Significance. Algorithms developed to predict the effect of missense changes on protein structure and function (SIFT, PolyPhen-2, Align-GVGD) all suggest that this variant is likely to be disruptive, but these predictions have not been confirmed by published functional studies and their clinical significance is uncertain. This variant has not been reported in the literature in individuals with SLC40A1-related conditions. This variant is not present in population databases (ExAC no frequency). This sequence change replaces leucine with valine at codon 233 of the SLC40A1 protein (p.Leu233Val). The leucine residue is highly conserved and there is a small physicochemical difference between leucine and valine.

Dept of Medicine and Surgery, University of Milano-Bicocca
Classification: Pathogenic for Hemochromatosis type 4. Last evaluated: 2018-11-20. Review status: no assertion criteria provided. Collection method: clinical testing. Allele origin: germline. Affected: yes. Observed: 2 variant alleles. Not counted in ClinVar's aggregate classification.

Literature cited by the submitters: PubMed 32360131 (cited by Dept of Medicine and Surgery, University of Milano-Bicocca).